The following is an entry in ClinVar:

NM_032776.3(JMJD1C):c.7509A>C (p.Glu2503Asp)

Gene: JMJD1C (jumonji domain containing 1C; minus strand). Cytogenetic location: 10q21.3.
Variant type: single nucleotide variant.
Coding change: c.7509A>C on transcript NM_032776.3 (MANE Select); coding-DNA position 7509, A replaced by C.
Protein change: p.Glu2503Asp; replaces glutamic acid 2503 with aspartic acid.
Molecular consequence: missense variant. On other transcripts: non-coding transcript variant (1).
Genome position (GRCh38, 1-based): chr10:63,168,459, T>G on the plus strand (A>C on the coding strand, the complement: JMJD1C is on the minus strand). VCF-style: chr10-63168459-T-G. GRCh37 (hg19) VCF-style: chr10-64928219-T-G.
Other names: c.6963A>C, p.Glu2321Asp (NM_001282948.2, NM_001318154.2); c.6645A>C, p.Glu2215Asp (NM_001318153.2); c.7395A>C, p.Glu2465Asp (NM_001322252.2); c.6852A>C, p.Glu2284Asp (NM_001322254.2, NM_001322258.2); short protein forms E2215D, E2284D, E2321D, E2465D, E2503D.
Identifiers: ClinVar variation 847241 (VCV000847241.8), dbSNP rs1842051017, ClinGen allele CA377017873.

ClinVar aggregate classification (germline): Uncertain significance (1 of 4 stars; one submission).

Conditions:
Early Myoclonic Encephalopathy. Identifiers: MedGen C0270855.

Submission:

Labcorp Genetics (formerly Invitae), Labcorp
Classification: Uncertain significance for Early Myoclonic Encephalopathy. Last evaluated: 2019-04-01. Review status: criteria provided, single submitter. Criteria: Invitae Variant Classification Sherloc (09022015). Collection method: clinical testing. Allele origin: germline.
Comment: In summary, the available evidence is currently insufficient to determine the role of this variant in disease. Therefore, it has been classified as a Variant of Uncertain Significance. Algorithms developed to predict the effect of missense changes on protein structure and function output the following: SIFT: "Tolerated"; PolyPhen-2: "Benign"; Align-GVGD: "Class C0". The aspartic acid amino acid residue is found in multiple mammalian species, suggesting that this missense change does not adversely affect protein function. These predictions have not been confirmed by published functional studies and their clinical significance is uncertain. This variant has not been reported in the literature in individuals with JMJD1C-related conditions. This variant is not present in population databases (ExAC no frequency). This sequence change replaces glutamic acid with aspartic acid at codon 2503 of the JMJD1C protein (p.Glu2503Asp). The glutamic acid residue is highly conserved and there is a small physicochemical difference between glutamic acid and aspartic acid.